The following is an entry in ClinVar:

NM_145331.3(MAP3K7):c.1198G>A (p.Ala400Thr)

Gene: MAP3K7 (mitogen-activated protein kinase kinase kinase 7; minus strand). Cytogenetic location: 6q15.
Variant type: single nucleotide variant.
Coding change: c.1198G>A on transcript NM_145331.3 (MANE Select); coding-DNA position 1198, G replaced by A.
Protein change: p.Ala400Thr; replaces alanine 400 with threonine.
Molecular consequence: missense variant.
Genome position (GRCh38, 1-based): chr6:90,547,270, C>T on the plus strand (G>A on the coding strand, the complement: MAP3K7 is on the minus strand). VCF-style: chr6-90547270-C-T. GRCh37 (hg19) VCF-style: chr6-91256989-C-T.
Other names: c.1198G>A, p.Ala400Thr (NM_003188.4, NM_145332.3, NM_145333.3); short protein forms A400T.
Identifiers: ClinVar variation 3123017 (VCV003123017.2), dbSNP rs781547814, ClinGen allele CA3928447.

ClinVar aggregate classification (germline): Uncertain significance. Review status: criteria provided, multiple submitters, no conflicts (2 of 4 stars). 2 submissions from 2 submitters: Uncertain significance (2). Last evaluated 2025-07-01.

Conditions:
Inborn genetic diseases. Identifiers: MedGen C0950123, MeSH D030342.

Allele frequency attached by ClinVar (database versions not stated): gnomAD 0.00001; gnomAD exomes 0.00001; TOPMed 0.00001; ExAC 0.00002.
gnomAD v4.1: 22 of 1,613,188 alleles (0.0014%); highest among the groups gnomAD compares: Non-Finnish European, 0.0018%; no homozygotes.

Submissions (2):

Labcorp Genetics (formerly Invitae), Labcorp
Classification: Uncertain significance. Last evaluated: 2025-07-01. Review status: criteria provided, single submitter. Criteria: Invitae Variant Classification Sherloc (09022015). Collection method: clinical testing. Allele origin: germline.
Comment: This sequence change replaces alanine, which is neutral and non-polar, with threonine, which is neutral and polar, at codon 400 of the MAP3K7 protein (p.Ala400Thr). This variant is present in population databases (rs781547814, gnomAD 0.003%). This variant has not been reported in the literature in individuals affected with MAP3K7-related conditions. ClinVar contains an entry for this variant (Variation ID: 3123017). An algorithm developed to predict the effect of missense changes on protein structure and function outputs the following: PolyPhen-2: "Benign". The threonine amino acid residue is found in multiple mammalian species, which suggests that this missense change does not adversely affect protein function. In summary, the available evidence is currently insufficient to determine the role of this variant in disease. Therefore, it has been classified as a Variant of Uncertain Significance.

Ambry Genetics
Classification: Uncertain significance for Inborn genetic diseases. Last evaluated: 2023-12-28. Review status: criteria provided, single submitter. Criteria: Ambry Variant Classification Scheme 2023. Collection method: clinical testing. Allele origin: germline.